The following is an entry in ClinVar:

NM_013296.5(GPSM2):c.57-10A>G

Gene: GPSM2 (G protein signaling modulator 2; plus strand). Cytogenetic location: 1p13.3.
Variant type: single nucleotide variant.
Coding change: c.57-10A>G on transcript NM_013296.5 (MANE Select); 10 bases into the intron before coding-DNA position 57, A replaced by G.
Molecular consequence: intron variant.
Genome position (GRCh38, 1-based): chr1:108,896,854, A>G. VCF-style: chr1-108896854-A-G. GRCh37 (hg19) VCF-style: chr1-109439476-A-G.
Other names: c.57-10A>G (NM_001321038.2, NM_001321039.3).
Identifiers: ClinVar variation 228731 (VCV000228731.19), dbSNP rs184863735, ClinGen allele CA982720.

ClinVar aggregate classification (germline): Conflicting classifications of pathogenicity. Review status: criteria provided, conflicting classifications (1 of 4 stars). 5 submissions from 5 submitters: Uncertain significance (2); Likely benign (2). 1 of the submissions does not count toward it. Last evaluated 2025-09-07.

Conditions:
GPSM2-related disorder. Also called: GPSM2-related disorders; GPSM2-related condition.

Allele frequency attached by ClinVar (database versions not stated): TOPMed 0.00006; gnomAD 0.00007; gnomAD exomes 0.00008 and 0.00009; ExAC 0.00011; 1000 Genomes Project 30x 0.00016; 1000 Genomes Project 0.00020; ESP Exome Variant Server 0.00023.
gnomAD v4.1: 133 of 1,588,394 alleles (0.0084%); highest among the groups gnomAD compares: Middle Eastern, 0.12%; no homozygotes.

Submissions (5):

Labcorp Genetics (formerly Invitae), Labcorp
Classification: Likely benign. Last evaluated: 2025-09-07. Review status: criteria provided, single submitter. Criteria: Invitae Variant Classification Sherloc (09022015). Collection method: clinical testing. Allele origin: germline.

GeneDx
Classification: Likely benign. Last evaluated: 2018-09-26. Review status: criteria provided, single submitter. Criteria: GeneDx Variant Classification Process June 2021. Collection method: clinical testing. Allele origin: germline. Affected: yes.

Genetic Services Laboratory, University of Chicago
Classification: Uncertain significance. Last evaluated: 2016-02-03. Review status: criteria provided, single submitter. Criteria: ACMG Guidelines, 2015. Collection method: clinical testing. Allele origin: germline. Affected: no.

Laboratory for Molecular Medicine, Mass General Brigham Personalized Medicine
Classification: Uncertain significance. Last evaluated: 2015-07-17. Review status: criteria provided, single submitter. Criteria: LMM Criteria. Collection method: clinical testing. Allele origin: germline. Observed: 1 variant allele.
Comment: The c.57-10A>G variant in GPSM2 has not been previously reported in individuals with hearing loss or Chudley McCullough syndrome, but has been identified in 10/ 66552 European chromosomes by the Exome Aggregation Consortium (ExAC; dbSNP rs184863735). This variant is located in the 3' spli ce region, but the adenine nucleotide (A) at position c.-10 is not well conserve d across species. In addition, computational tools do not suggest an impact to s plicing. However, this information is not predictive enough to rule out pathogen icity. In summary, while the clinical significance of the c.57-10A>G variant is uncertain, the conservation and computational data suggest that it is more likel y to be benign.

PreventionGenetics, part of Exact Sciences
Classification: Likely benign for GPSM2-related condition. Last evaluated: 2019-07-25. Review status: no assertion criteria provided. Collection method: clinical testing. Allele origin: germline. Not counted in ClinVar's aggregate classification.
Comment: This variant is classified as likely benign based on ACMG/AMP sequence variant interpretation guidelines (Richards et al. 2015 PMID: 25741868, with internal and published modifications).